The following is an entry in ClinVar:

NM_000238.4(KCNH2):c.2668T>C (p.Ser890Pro)

Gene: KCNH2 (potassium voltage-gated channel subfamily H member 2; minus strand). Cytogenetic location: 7q36.1.
Variant type: single nucleotide variant.
Coding change: c.2668T>C on transcript NM_000238.4 (MANE Select); coding-DNA position 2668, T replaced by C.
Protein change: p.Ser890Pro; replaces serine 890 with proline.
Molecular consequence: missense variant.
Genome position (GRCh38, 1-based): chr7:150,948,468, A>G on the plus strand (T>C on the coding strand, the complement: KCNH2 is on the minus strand). VCF-style: chr7-150948468-A-G. GRCh37 (hg19) VCF-style: chr7-150645556-A-G.
Other names: c.1648T>C, p.Ser550Pro (NM_172057.3); short protein forms S550P, S890P.
Identifiers: ClinVar variation 926306 (VCV000926306.6), dbSNP rs1801006262, ClinGen allele CA369853680.

ClinVar aggregate classification (germline): Uncertain significance (1 of 4 stars; one submission).

Conditions:
Cardiac arrhythmia. Also called: Cardiac rhythm disease; Arrhythmia. Identifiers: MedGen C0003811, MONDO:0007263, HP:0011675.

Submission:

Color Diagnostics, LLC DBA Color Health
Classification: Uncertain significance for Cardiac arrhythmia. Last evaluated: 2024-03-06. Review status: criteria provided, single submitter. Criteria: ACMG Guidelines, 2015. Collection method: clinical testing. Allele origin: germline.
Comment: This missense variant replaces serine with proline at codon 890 of the KCNH2 protein. Computational prediction suggests that this variant may have deleterious impact on protein structure and function (internally defined REVEL score threshold >= 0.7, PMID: 27666373). Splice site prediction tools suggest that this variant may not impact RNA splicing. To our knowledge, functional studies have not been performed for this variant. This variant has not been reported in individuals affected with cardiovascular disorders in the literature. This variant has not been identified in the general population by the Genome Aggregation Database (gnomAD). The available evidence is insufficient to determine the role of this variant in disease conclusively. Therefore, this variant is classified as a Variant of Uncertain Significance.